The following is an entry in ClinVar:

ClinVar aggregate classification (germline): Uncertain significance (1 of 4 stars; one submission).

Conditions:
Atrioventricular septal defect, susceptibility to, 2. Identifiers: MedGen C1853508, MONDO:0011650, OMIM 606217.

Submission:

Labcorp Genetics (formerly Invitae), Labcorp
Classification: Uncertain significance for Atrioventricular septal defect, susceptibility to, 2. Last evaluated: 2020-05-21. Review status: criteria provided, single submitter. Criteria: Invitae Variant Classification Sherloc (09022015). Collection method: clinical testing. Allele origin: germline.
Comment: A gross deletion of the genomic region encompassing the full coding sequence of the CRELD1 gene has been identified. The boundaries of this event are unknown as the deletion extends beyond the assayed region for this gene and therefore may encompass additional genes. Isolated whole-gene deletions of CRELD1 have not been reported in the literature. However, larger copy number events that include this gene have been reported (PMID: 25516202). The current clinical and genetic evidence is not sufficient to establish whether loss-of-function variants in CRELD1 cause disease. In summary, the available evidence is currently insufficient to determine the role of this variant in disease. Therefore, it has been classified as a Variant of Uncertain Significance.

Literature cited by the submitters: PubMed 25516202.

NC_000003.11:g.(?_9976103)_(10191669_?)del

Genes: BRK1 (BRICK1 subunit of SCAR/WAVE actin nucleating complex; plus strand), CRELD1 (cysteine rich with EGF like domains 1; plus strand), EMC3 (ER membrane protein complex subunit 3; minus strand), FANCD2 (FA complementation group D2; plus strand), FANCD2OS (FANCD2 opposite strand; minus strand) and 2 more. Cytogenetic location: 3p25.3.
Variant type: Deletion.
Identifiers: ClinVar variation 1007012 (VCV001007012.2).